The following is an entry in ClinVar:

NM_177438.3(DICER1):c.4778_4787dup (p.Arg1596delinsSerAsnTer)

Gene: DICER1 (dicer 1, ribonuclease III; minus strand). Cytogenetic location: 14q32.13.
Variant type: Duplication.
Coding change: c.4778_4787dup on transcript NM_177438.3 (MANE Select); coding-DNA positions 4778 to 4787, 10 bases duplicated (TAATTAAAAG; older notation c.4778_4787dupTAATTAAAAG).
Protein change: p.Arg1596delinsSerAsnTer.
Molecular consequence: nonsense. On other transcripts: non-coding transcript variant (6), frameshift variant (1).
Genome position (GRCh38, 1-based): chr14:95,096,133-95,096,142, CTTTTAATTA duplicated on the plus strand (TAATTAAAAG on the coding strand, the reverse complement: DICER1 is on the minus strand); duplicating any 10 consecutive bases within chr14:95,096,133-95,096,143 gives the same sequence; the c. name uses the placement nearest the transcript's 3' end. VCF-style (leftmost placement, unchanged base first): chr14-95096132-C-CCTTTTAATTA. GRCh37 (hg19) VCF-style: chr14-95562469-C-CCTTTTAATTA.
Other names: c.4778_4787dup, p.Arg1596delinsSerAsnTer (NM_001195573.1, NM_001271282.3, NM_001291628.2 and 12 more transcripts); c.4373_4382dup, p.Arg1461delinsSerAsnTer (NM_001395696.1, NM_001395687.1, NM_001395688.1 and 2 more transcripts); c.3095_3104dup, p.Arg1035delinsSerAsnTer (NM_001395697.1); c.4777_4786dup, p.Arg1596Serfs (NM_001395681.1); c.4496_4505dup, p.Arg1502delinsSerAsnTer (NM_001395686.1); c.4211_4220dup, p.Arg1407delinsSerAsnTer (NM_001395691.1).
Identifiers: ClinVar variation 3013297 (VCV003013297.3), dbSNP rs2542486252, ClinGen allele CA2740097192.

ClinVar aggregate classification (germline): Pathogenic (1 of 4 stars; one submission).

Conditions:
DICER1-related tumor predisposition. Also called: DICER1-related pleuropulmonary blastoma cancer predisposition syndrome; DICER1 syndrome. Identifiers: Orphanet 284343, MedGen C3839822, MONDO:0100216.

Submission:

Labcorp Genetics (formerly Invitae), Labcorp
Classification: Pathogenic for DICER1-related tumor predisposition. Last evaluated: 2023-10-20. Review status: criteria provided, single submitter. Criteria: Invitae Variant Classification Sherloc (09022015). Collection method: clinical testing. Allele origin: germline.
Comment: This sequence change creates a premature translational stop signal (p.Arg1596Serfs*3) in the DICER1 gene. It is expected to result in an absent or disrupted protein product. Loss-of-function variants in DICER1 are known to be pathogenic (PMID: 19556464, 21266384). This variant is not present in population databases (gnomAD no frequency). This variant has not been reported in the literature in individuals affected with DICER1-related conditions. For these reasons, this variant has been classified as Pathogenic.

Literature cited by the submitters: PubMed 19556464; PubMed 21266384.